The following is an entry in ClinVar:

ClinVar aggregate classification (germline): Pathogenic/Likely pathogenic. Review status: criteria provided, multiple submitters, no conflicts (2 of 4 stars). 7 submissions from 6 submitters: Pathogenic (2); Likely pathogenic (5). Last evaluated 2026-02-09.

Conditions:
Rare genetic deafness. Identifiers: Orphanet 96210, MedGen C5680250.
USH2A-related disorder. Also called: USH2A-related condition; USH2A-related disorders. Identifiers: MedGen CN239332.
Usher syndrome type 2A. Also called: USHER SYNDROME, TYPE IIA; RETINAL DISEASE IN USHER SYNDROME TYPE IIA, MODIFIER OF. Identifiers: Orphanet 231178, Orphanet 886, MedGen C1848634, MONDO:0010169, OMIM 276901.
Retinitis pigmentosa 39 (RP39). Identifiers: Orphanet 791, MedGen C3151138, MONDO:0013436, OMIM 613809.

Allele frequency attached by ClinVar (database versions not stated): ExAC 0.00001; gnomAD exomes 0.00001; ESP Exome Variant Server 0.00008.
gnomAD v4.1: 13 of 1,614,002 alleles (0.00081%); highest among the groups gnomAD compares: Non-Finnish European, 0.001%; no homozygotes.

Submissions (7):

GeneDx
Classification: Likely pathogenic. Last evaluated: 2026-02-09. Review status: criteria provided, single submitter. Criteria: GeneDx Variant Classification Process June 2021. Collection method: clinical testing. Allele origin: germline.
Comment: Not observed at significant frequency in large population cohorts (gnomAD); In silico analysis supports that this missense variant has a deleterious effect on protein structure/function; This variant is associated with the following publications: (PMID: 22135276, 31964843, 25649381, 37734845, 37981655)

Labcorp Genetics (formerly Invitae), Labcorp
Classification: Pathogenic. Last evaluated: 2025-10-29. Review status: criteria provided, single submitter. Criteria: Invitae Variant Classification Sherloc (09022015). Collection method: clinical testing. Allele origin: germline.
Comment: This sequence change replaces cysteine, which is neutral and slightly polar, with tyrosine, which is neutral and polar, at codon 3575 of the USH2A protein (p.Cys3575Tyr). This variant is present in population databases (rs111033265, gnomAD 0.002%). This missense change has been observed in individual(s) with clinical features of Usher syndrome (PMID: 22135276, 25649381; internal data). In at least one individual the data is consistent with being in trans (on the opposite chromosome) from a pathogenic variant. ClinVar contains an entry for this variant (Variation ID: 48356). Invitae Evidence Modeling of protein sequence and biophysical properties (such as structural, functional, and spatial information, amino acid conservation, physicochemical variation, residue mobility, and thermodynamic stability) indicates that this missense variant is expected to disrupt USH2A protein function with a positive predictive value of 95%. This variant disrupts the p.Cys3575 amino acid residue in USH2A. Other variant(s) that disrupt this residue have been observed in individuals with USH2A-related conditions (internal data), which suggests that this may be a clinically significant amino acid residue. For these reasons, this variant has been classified as Pathogenic.

Genome-Nilou Lab
Classification: Likely pathogenic for Retinitis pigmentosa 39. Last evaluated: 2023-11-04. Review status: criteria provided, single submitter. Criteria: ACMG Guidelines, 2015. Collection method: clinical testing. Allele origin: germline. Affected: no.

Genome-Nilou Lab
Classification: Likely pathogenic for Usher syndrome type 2A. Last evaluated: 2023-11-04. Review status: criteria provided, single submitter. Criteria: ACMG Guidelines, 2015. Collection method: clinical testing. Allele origin: germline. Affected: no.

Blueprint Genetics
Classification: Pathogenic for USH2A-related disorders. Last evaluated: 2022-09-14. Review status: criteria provided, single submitter. Criteria: ACMG Guidelines, 2015. Collection method: clinical testing. Allele origin: germline. Affected: yes. Observed: 5 variant alleles.

Fulgent Genetics
Classification: Likely pathogenic for Usher syndrome type 2A; Retinitis pigmentosa 39. Last evaluated: 2022-01-03. Review status: criteria provided, single submitter. Criteria: ACMG Guidelines, 2015. Collection method: clinical testing. Allele origin: unknown.

Laboratory for Molecular Medicine, Mass General Brigham Personalized Medicine
Classification: Likely pathogenic for Rare genetic deafness. Last evaluated: 2011-10-17. Review status: criteria provided, single submitter. Criteria: LMM Criteria. Collection method: clinical testing. Allele origin: germline. Inheritance: Autosomal recessive inheritance. Observed: 2 variant alleles.
Comment: In all probands, the variant was seen in the compound hete rozygous state with another pathogenic USH2A variant or in the homozygous state. In summary, this variant is likely to be pathogenic.

Literature cited by the submitters: PubMed 22135276 (cited by Labcorp Genetics (formerly Invitae), Labcorp and Laboratory for Molecular Medicine, Mass General Brigham Personalized Medicine); PubMed 25649381 (cited by Labcorp Genetics (formerly Invitae), Labcorp).

NM_206933.4(USH2A):c.10724G>A (p.Cys3575Tyr)

Gene: USH2A (usherin; minus strand). Cytogenetic location: 1q41.
Variant type: single nucleotide variant.
Coding change: c.10724G>A on transcript NM_206933.4 (MANE Select); coding-DNA position 10724, G replaced by A.
Protein change: p.Cys3575Tyr; replaces cysteine 3575 with tyrosine.
Molecular consequence: missense variant.
Genome position (GRCh38, 1-based): chr1:215,782,058, C>T on the plus strand (G>A on the coding strand, the complement: USH2A is on the minus strand). VCF-style: chr1-215782058-C-T. GRCh37 (hg19) VCF-style: chr1-215955400-C-T.
Other names: short protein forms C3575Y.
Identifiers: ClinVar variation 48356 (VCV000048356.18), dbSNP rs111033265, ClinGen allele CA262062.
Genomic context (GRCh38, chr1:215,782,058, plus strand): 5'-CACACTGAACCCCTTTTCCCAGAGTTTAGGCAAACTCCTCTTACCTTGCTACTGGTGGCA[C>T]AGCCAGCAACCGTGCAAGCTTTCAGCTGATATGAATATTCCTGAAATGGTTGAATTCCCT-3'
Protein context (NP_996816.3, residues 3565-3585): YQLKACTVAG[Cys3575Tyr]ATSSKVVAAT